The following is an entry in ClinVar:

ClinVar aggregate classification (germline): Likely benign. Review status: criteria provided, multiple submitters, no conflicts (2 of 4 stars). 3 submissions from 3 submitters: Likely benign (3). Last evaluated 2025-07-31.

Conditions:
PRPF3-related disorder. Also called: PRPF3-related condition.

Allele frequency attached by ClinVar (database versions not stated): gnomAD exomes 0.00002 and 0.00003; ExAC 0.00006; 1000 Genomes Project 30x 0.00016; 1000 Genomes Project 0.00020; gnomAD 0.00025 and 0.00026; TOPMed 0.00031; ESP Exome Variant Server 0.00038.
gnomAD v4.1: 65 of 1,614,012 alleles (0.004%); highest among the groups gnomAD compares: African/African-American, 0.08%; no homozygotes.

Submissions (3):

Labcorp Genetics (formerly Invitae), Labcorp
Classification: Likely benign. Last evaluated: 2025-07-31. Review status: criteria provided, single submitter. Criteria: Invitae Variant Classification Sherloc (09022015). Collection method: clinical testing. Allele origin: germline.

PreventionGenetics, part of Exact Sciences
Classification: Likely benign for PRPF3-related condition. Last evaluated: 2025-03-01. Review status: criteria provided, single submitter. Criteria: ACMG Guidelines, 2015. Collection method: clinical testing. Allele origin: germline.
Comment: This variant is classified as likely benign based on ACMG/AMP sequence variant interpretation guidelines (Richards et al. 2015 PMID: 25741868, with internal and published modifications).

Blueprint Genetics
Classification: Likely benign. Last evaluated: 2022-08-23. Review status: criteria provided, single submitter. Criteria: ACMG Guidelines, 2015. Collection method: clinical testing. Allele origin: germline.

NM_004698.4(PRPF3):c.1797G>C (p.Leu599=)

Gene: PRPF3 (pre-mRNA processing factor 3; plus strand). Cytogenetic location: 1q21.2.
Variant type: single nucleotide variant.
Coding change: c.1797G>C on transcript NM_004698.4 (MANE Select); coding-DNA position 1797, G replaced by C.
Protein change: p.Leu599=; no amino-acid change (leucine 599 retained).
Molecular consequence: synonymous variant. On other transcripts: non-coding transcript variant (4).
Genome position (GRCh38, 1-based): chr1:150,346,445, G>C. VCF-style: chr1-150346445-G-C. GRCh37 (hg19) VCF-style: chr1-150318921-G-C.
Other names: c.1797G>C (NM_004698.2); c.1392G>C, p.Leu464= (NM_001350529.1).
Identifiers: ClinVar variation 1159975 (VCV001159975.11), dbSNP rs138655243, ClinGen allele CA1075702.